The following is an entry in ClinVar:

ClinVar aggregate classification (germline): Uncertain significance. Review status: criteria provided, multiple submitters, no conflicts (2 of 4 stars). 2 submissions from 2 submitters: Uncertain significance (2). Last evaluated 2023-05-22.

Conditions:
Hereditary cancer-predisposing syndrome. Also called: Neoplastic Syndromes, Hereditary; Tumor predisposition; Hereditary Cancer Syndrome; Hereditary neoplastic syndrome. Identifiers: Orphanet 140162, MedGen C0027672, MeSH D009386, MONDO:0015356.

Submissions (2):

Labcorp Genetics (formerly Invitae), Labcorp
Classification: Uncertain significance for Hereditary cancer-predisposing syndrome. Last evaluated: 2023-05-22. Review status: criteria provided, single submitter. Criteria: Invitae Variant Classification Sherloc (09022015). Collection method: clinical testing. Allele origin: germline.
Comment: This variant is not present in population databases (gnomAD no frequency). This sequence change replaces asparagine, which is neutral and polar, with aspartic acid, which is acidic and polar, at codon 1144 of the RAD50 protein (p.Asn1144Asp). This variant has not been reported in the literature in individuals affected with RAD50-related conditions. ClinVar contains an entry for this variant (Variation ID: 1731376). Advanced modeling of protein sequence and biophysical properties (such as structural, functional, and spatial information, amino acid conservation, physicochemical variation, residue mobility, and thermodynamic stability) performed at Invitae indicates that this missense variant is expected to disrupt RAD50 protein function. In summary, the available evidence is currently insufficient to determine the role of this variant in disease. Therefore, it has been classified as a Variant of Uncertain Significance.

Ambry Genetics
Classification: Uncertain significance for Hereditary cancer-predisposing syndrome. Last evaluated: 2021-03-16. Review status: criteria provided, single submitter. Criteria: Ambry Variant Classification Scheme 2023. Collection method: clinical testing. Allele origin: germline.
Comment: The p.N1144D variant (also known as c.3430A>G), located in coding exon 22 of the RAD50 gene, results from an A to G substitution at nucleotide position 3430. The asparagine at codon 1144 is replaced by aspartic acid, an amino acid with highly similar properties. This amino acid position is highly conserved in available vertebrate species. In addition, the in silico prediction for this alteration is inconclusive. Since supporting evidence is limited at this time, the clinical significance of this alteration remains unclear.

NM_005732.4(RAD50):c.3430A>G (p.Asn1144Asp)

Genes: TH2LCRR (T helper type 2 locus control region associated RNA; minus strand), TH2-LCR (Th2 cytokine locus control region; plus strand), RAD50 (RAD50 double strand break repair protein; plus strand). Cytogenetic location: 5q31.1.
Variant type: single nucleotide variant.
Coding change: c.3430A>G on transcript NM_005732.4 (MANE Select); coding-DNA position 3430, A replaced by G.
Protein change: p.Asn1144Asp; replaces asparagine 1144 with aspartic acid.
Molecular consequence: missense variant.
Genome position (GRCh38, 1-based): chr5:132,637,155, A>G. VCF-style: chr5-132637155-A-G. GRCh37 (hg19) VCF-style: chr5-131972847-A-G.
Other names: short protein forms N1144D.
Identifiers: ClinVar variation 1731376 (VCV001731376.5), dbSNP rs2479424761, ClinGen allele CA360930162.